The following is an entry in ClinVar:

ClinVar aggregate classification (germline): Likely pathogenic (1 of 4 stars; one submission).

Conditions:
Metachromatic leukodystrophy (MLD). Also called: Cerebral sclerosis diffuse metachromatic form; METACHROMATIC LEUKOENCEPHALOPATHY; ARSA DEFICIENCY; SULFATIDE LIPIDOSIS; CEREBROSIDE SULFATASE DEFICIENCY; Arylsulfatase A Deficiency. Identifiers: Orphanet 512, MedGen C0023522, MONDO:0018868, OMIM 250100.

Submission:

Institute of Medical Genetics and Applied Genomics, University Hospital Tübingen
Classification: Likely pathogenic for Metachromatic leukodystrophy. Last evaluated: 2024-12-06. Review status: criteria provided, single submitter. Criteria: ACMG Guidelines, 2015. Collection method: clinical testing. Allele origin: de novo. Inheritance: Autosomal dominant inheritance. Affected: yes.

NM_002055.5(GFAP):c.778A>G (p.Lys260Glu)

Gene: GFAP (glial fibrillary acidic protein; minus strand). Cytogenetic location: 17q21.31.
Variant type: single nucleotide variant.
Coding change: c.778A>G on transcript NM_002055.5 (MANE Select); coding-DNA position 778, A replaced by G.
Protein change: p.Lys260Glu; replaces lysine 260 with glutamic acid.
Molecular consequence: missense variant.
Genome position (GRCh38, 1-based): chr17:44,913,271, T>C on the plus strand (A>G on the coding strand, the complement: GFAP is on the minus strand). VCF-style: chr17-44913271-T-C. GRCh37 (hg19) VCF-style: chr17-42990639-T-C.
Other names: c.778A>G, p.Lys260Glu (NM_001131019.3, NM_001242376.3, NM_001363846.2); short protein forms K260E.
Identifiers: ClinVar variation 3383962 (VCV003383962.1).